The following is an entry in ClinVar:

ClinVar aggregate classification (germline): Likely pathogenic (1 of 4 stars; one submission).

Conditions:
Emery-Dreifuss muscular dystrophy 4, autosomal dominant (EDMD4). Also called: EMERY-DREIFUSS MUSCULAR DYSTROPHY 4 WITH VARIABLE FEATURES. Identifiers: Orphanet 261, MedGen C2751807, MONDO:0013071, OMIM 612998.
Autosomal recessive ataxia, Beauce type. Also called: Spinocerebellar ataxia, autosomal recessive 8; ATAXIA, RECESSIVE, OF BEAUCE; SYNE1-Related Autosomal Recessive Cerebellar Ataxia; SYNE1 Deficiency. Identifiers: Orphanet 88644, MedGen C1853116, MONDO:0012549, OMIM 610743.

gnomAD v4.1: 2 of 1,613,978 alleles (0.00012%); highest among the groups gnomAD compares: Non-Finnish European, 0.00017%; no homozygotes.

Submission:

Labcorp Genetics (formerly Invitae), Labcorp
Classification: Likely pathogenic for Emery-Dreifuss muscular dystrophy 4, autosomal dominant; Autosomal recessive ataxia, Beauce type. Last evaluated: 2024-07-08. Review status: criteria provided, single submitter. Criteria: Invitae Variant Classification Sherloc (09022015). Collection method: clinical testing. Allele origin: germline.
Comment: This sequence change affects an acceptor splice site in intron 129 of the SYNE1 gene. It is expected to disrupt RNA splicing. Variants that disrupt the donor or acceptor splice site typically lead to a loss of protein function (PMID: 16199547), and loss-of-function variants in SYNE1 are known to be pathogenic (PMID: 19542096, 24319099, 27086870). This variant is present in population databases (rs371254832, gnomAD 0.002%). This variant has not been reported in the literature in individuals affected with SYNE1-related conditions. Algorithms developed to predict the effect of sequence changes on RNA splicing suggest that this variant may disrupt the consensus splice site. In summary, the currently available evidence indicates that the variant is pathogenic, but additional data are needed to prove that conclusively. Therefore, this variant has been classified as Likely Pathogenic.

Literature cited by the submitters: PubMed 16199547; PubMed 19542096; PubMed 24319099; PubMed 27086870.

NM_182961.4(SYNE1):c.23628-1G>A

Gene: SYNE1 (spectrin repeat containing nuclear envelope protein 1; minus strand). Cytogenetic location: 6q25.2.
Variant type: single nucleotide variant.
Coding change: c.23628-1G>A on transcript NM_182961.4 (MANE Select); the canonical splice acceptor site of the intron before coding-DNA position 23628, G replaced by A.
Molecular consequence: splice acceptor variant.
Genome position (GRCh38, 1-based): chr6:152,164,326, C>T on the plus strand (G>A on the coding strand, the complement: SYNE1 is on the minus strand). VCF-style: chr6-152164326-C-T. GRCh37 (hg19) VCF-style: chr6-152485461-C-T.
Other names: c.23415-1G>A (NM_033071.5); c.234-1G>A (NM_001347701.2); c.93-1G>A (NM_001347702.2).
Identifiers: ClinVar variation 3755358 (VCV003755358.2).
Genomic context (GRCh38, chr6:152,164,326, plus strand): 5'-CTGCTCATGTTCTTATCAAGCTGCTGCACGGCTACCAGGGTCTCCTTCAGCTTCTTCACC[C>T]TGTGGGCAGAGAAGGGGGAATGTCCCACTTCAGCGAGAGGCCCACTCATGTTTCTCTAGC-3'